The following is an entry in ClinVar:

NM_003896.4(ST3GAL5):c.331T>C (p.Tyr111His)

Gene: ST3GAL5 (ST3 beta-galactoside alpha-2,3-sialyltransferase 5; minus strand). Cytogenetic location: 2p11.2.
Variant type: single nucleotide variant.
Coding change: c.331T>C on transcript NM_003896.4 (MANE Select); coding-DNA position 331, T replaced by C.
Protein change: p.Tyr111His; replaces tyrosine 111 with histidine.
Molecular consequence: missense variant. On other transcripts: 5 prime UTR variant (7).
Genome position (GRCh38, 1-based): chr2:85,848,192, A>G on the plus strand (T>C on the coding strand, the complement: ST3GAL5 is on the minus strand). VCF-style: chr2-85848192-A-G. GRCh37 (hg19) VCF-style: chr2-86075315-A-G.
Other names: c.262T>C, p.Tyr88His (NM_001042437.2); c.-54T>C (NM_001354223.2, NM_001354224.2, NM_001354226.2 and 3 more transcripts); c.247T>C, p.Tyr83His (NM_001354227.2, NM_001354229.2, NM_001354238.1); c.-574T>C (NM_001354247.1); c.331T>C, p.Tyr111His (NM_001363847.1); short protein forms Y83H, Y111H, Y88H.
Identifiers: ClinVar variation 1039536 (VCV001039536.9), dbSNP rs771210773, ClinGen allele CA1745062.

ClinVar aggregate classification (germline): Uncertain significance (1 of 4 stars; one submission).

Conditions:
GM3 synthase deficiency (SPDRS). Also called: AMISH INFANTILE EPILEPSY SYNDROME; SALT AND PEPPER MENTAL RETARDATION SYNDROME; SALT AND PEPPER DEVELOPMENTAL REGRESSION SYNDROME. Identifiers: Orphanet 171714, Orphanet 370933, MedGen C1836824, MONDO:0018274, OMIM 609056.

Allele frequency attached by ClinVar (database versions not stated): gnomAD exomes below 0.00001; TOPMed below 0.00001; ExAC 0.00001.
gnomAD v4.1: 5 of 1,614,194 alleles (0.00031%); highest among the groups gnomAD compares: Non-Finnish European, 0.00042%; no homozygotes.

Submission:

Labcorp Genetics (formerly Invitae), Labcorp
Classification: Uncertain significance for GM3 synthase deficiency. Last evaluated: 2020-09-09. Review status: criteria provided, single submitter. Criteria: Invitae Variant Classification Sherloc (09022015). Collection method: clinical testing. Allele origin: germline.
Comment: In summary, the available evidence is currently insufficient to determine the role of this variant in disease. Therefore, it has been classified as a Variant of Uncertain Significance. Algorithms developed to predict the effect of missense changes on protein structure and function output the following: SIFT: "Tolerated"; PolyPhen-2: "Benign"; Align-GVGD: "Class C0". The histidine amino acid residue is found in multiple mammalian species, suggesting that this missense change does not adversely affect protein function. These predictions have not been confirmed by published functional studies and their clinical significance is uncertain. This sequence change replaces tyrosine with histidine at codon 111 of the ST3GAL5 protein (p.Tyr111His). The tyrosine residue is moderately conserved and there is a moderate physicochemical difference between tyrosine and histidine. This variant is present in population databases (rs771210773, ExAC 0.002%). This variant has not been reported in the literature in individuals with ST3GAL5-related conditions.